The following is an entry in ClinVar:

ClinVar aggregate classification (germline): Likely benign (1 of 4 stars; one submission).

Allele frequency attached by ClinVar (database versions not stated): ExAC 0.00024; gnomAD 0.00026; TOPMed 0.00027; ESP Exome Variant Server 0.00038; gnomAD exomes 0.00041; 1000 Genomes Project 30x 0.00042; 1000 Genomes Project 0.00053.
gnomAD v4.1: 490 of 1,210,768 alleles (0.04%); highest among the groups gnomAD compares: Non-Finnish European, 0.05%; no homozygotes.

Submission:

CeGaT Center for Human Genetics Tuebingen
Classification: Likely benign. Last evaluated: 2022-08-01. Review status: criteria provided, single submitter. Criteria: CeGaT Center For Human Genetics Tuebingen Variant Classification Criteria Version 2. Collection method: clinical testing. Allele origin: germline. Affected: yes. Observed: 1 variant allele.
Comment: PRKX: BP4, BP7

NM_005044.5(PRKX):c.390G>A (p.Pro130=)

Gene: PRKX (protein kinase cAMP-dependent X-linked catalytic subunit; minus strand). Cytogenetic location: Xp22.33.
Variant type: single nucleotide variant.
Coding change: c.390G>A on transcript NM_005044.5 (MANE Select); coding-DNA position 390, G replaced by A.
Protein change: p.Pro130=; no amino-acid change (proline 130 retained).
Molecular consequence: synonymous variant.
Genome position (GRCh38, 1-based): chrX:3,655,358, C>T on the plus strand (G>A on the coding strand, the complement: PRKX is on the minus strand). VCF-style: chrX-3655358-C-T. GRCh37 (hg19) VCF-style: chrX-3573399-C-T.
Identifiers: ClinVar variation 2659892 (VCV002659892.24), dbSNP rs143341482, ClinGen allele CA10340766.